The following is an entry in ClinVar:

NM_012123.4(MTO1):c.1942G>A (p.Gly648Arg)

Gene: MTO1 (mitochondrial tRNA translation optimization 1; plus strand). Cytogenetic location: 6q13.
Variant type: single nucleotide variant.
Coding change: c.1942G>A on transcript NM_012123.4 (MANE Select); coding-DNA position 1942, G replaced by A.
Protein change: p.Gly648Arg; replaces glycine 648 with arginine.
Molecular consequence: missense variant.
Genome position (GRCh38, 1-based): chr6:73,500,598, G>A. VCF-style: chr6-73500598-G-A. GRCh37 (hg19) VCF-style: chr6-74210321-G-A.
Other names: c.2062G>A, p.Gly688Arg (NM_001123226.2); c.2017G>A, p.Gly673Arg (NM_133645.3); short protein forms G673R, G688R, G648R.
Identifiers: ClinVar variation 1927660 (VCV001927660.3), dbSNP rs370969806, ClinGen allele CA3889799.

ClinVar aggregate classification (germline): Uncertain significance. Review status: criteria provided, multiple submitters, no conflicts (2 of 4 stars). 2 submissions from 2 submitters: Uncertain significance (2). Last evaluated 2022-07-06.

Conditions:
Inborn genetic diseases. Identifiers: MedGen C0950123, MeSH D030342.
Mitochondrial hypertrophic cardiomyopathy with lactic acidosis due to MTO1 deficiency. Also called: CARDIOMYOPATHY, INFANTILE HYPERTROPHIC MITOCHONDRIAL, AND LACTIC ACIDOSIS; Combined oxidative phosphorylation deficiency 10. Identifiers: Orphanet 314637, MedGen C4749921, MONDO:0013865, OMIM 614702.

Allele frequency attached by ClinVar (database versions not stated): gnomAD 0.00004; gnomAD exomes 0.00005; TOPMed 0.00006; ESP Exome Variant Server 0.00008; ExAC 0.00015.
gnomAD v4.1: 79 of 1,613,208 alleles (0.0049%); highest among the groups gnomAD compares: Admixed American, 0.012%; no homozygotes.

Submissions (2):

Labcorp Genetics (formerly Invitae), Labcorp
Classification: Uncertain significance for Mitochondrial hypertrophic cardiomyopathy with lactic acidosis due to MTO1 deficiency. Last evaluated: 2022-07-06. Review status: criteria provided, single submitter. Criteria: Invitae Variant Classification Sherloc (09022015). Collection method: clinical testing. Allele origin: germline.
Comment: This sequence change replaces glycine, which is neutral and non-polar, with arginine, which is basic and polar, at codon 648 of the MTO1 protein (p.Gly648Arg). This variant is present in population databases (rs370969806, gnomAD 0.07%). This variant has not been reported in the literature in individuals affected with MTO1-related conditions. Algorithms developed to predict the effect of missense changes on protein structure and function are either unavailable or do not agree on the potential impact of this missense change (SIFT: "Deleterious"; PolyPhen-2: "Probably Damaging"; Align-GVGD: "Class C15"). In summary, the available evidence is currently insufficient to determine the role of this variant in disease. Therefore, it has been classified as a Variant of Uncertain Significance.

Ambry Genetics
Classification: Uncertain significance for Inborn genetic diseases. Last evaluated: 2021-11-22. Review status: criteria provided, single submitter. Criteria: Ambry Variant Classification Scheme 2023. Collection method: clinical testing. Allele origin: germline.